The following is an entry in ClinVar:

ClinVar aggregate classification (germline): Benign (1 of 4 stars; one submission).

Conditions:
Lynch syndrome. Identifiers: Orphanet 144, MedGen C4552100, MONDO:0005835. Disease mechanism: loss of function.

Submission:

Women's Health and Genetics/Laboratory Corporation of America, LabCorp
Classification: Benign for Hereditary non-polyposis colon cancer. Last evaluated: 2011-08-18. Review status: criteria provided, single submitter. Criteria: LabCorp Variant Classification Summary - May 2015. Collection method: curation, clinical testing. Allele origin: germline. Inheritance: autosomal unknown. Affected: yes.
ClinVar note: Converted during submission from benign to Benign.

NM_000179.3(MSH6):c.3647-35_3647-34insTTTGTTCTAATTCCTTT

Gene: MSH6 (mutS homolog 6; plus strand). Cytogenetic location: 2p16.3.
Variant type: Insertion.
Coding change: c.3647-35_3647-34insTTTGTTCTAATTCCTTT on transcript NM_000179.3 (MANE Select); 35 bases into the intron before coding-DNA position 3647 through 34 bases into the intron before coding-DNA position 3647, TTTGTTCTAATTCCTTT inserted.
Molecular consequence: intron variant.
Genome position: GRCh38 VCF-style: chr2-47806159-T-TTAATTCCTTTTTTGTTC. GRCh37 (hg19) VCF-style: chr2-48033298-T-TTAATTCCTTTTTTGTTC.
Other names: c.2741-35_2741-34insTTTGTTCTAATTCCTTT (NM_001281493.2, NM_001281494.2); c.3257-35_3257-34insTTTGTTCTAATTCCTTT (NM_001281492.2).
Identifiers: ClinVar variation 36590 (VCV000036590.4), dbSNP rs397515292, ClinGen allele CA013663.